The following is an entry in ClinVar:

ClinVar aggregate classification (germline): Uncertain significance (1 of 4 stars; one submission).

Conditions:
Tuberous sclerosis 2 (TSC2). Identifiers: Orphanet 805, MedGen C1860707, MONDO:0013199, OMIM 613254.

Submission:

Labcorp Genetics (formerly Invitae), Labcorp
Classification: Uncertain significance for Tuberous sclerosis 2. Last evaluated: 2018-01-18. Review status: criteria provided, single submitter. Criteria: Invitae Variant Classification Sherloc (09022015). Collection method: clinical testing. Allele origin: germline.
Comment: In summary, the available evidence is currently insufficient to determine the role of this variant in disease. Therefore, it has been classified as a Variant of Uncertain Significance. Algorithms developed to predict the effect of missense changes on protein structure and function do not agree on the potential impact of this missense change (SIFT: "Deleterious"; PolyPhen-2: "Benign"; Align-GVGD: "Class C0"). This variant has not been reported in the literature in individuals with TSC2-related disease. This variant is not present in population databases (ExAC no frequency). This sequence change replaces lysine with threonine at codon 106 of the TSC2 protein (p.Lys106Thr). The lysine residue is moderately conserved and there is a moderate physicochemical difference between lysine and threonine.

NM_000548.5(TSC2):c.317A>C (p.Lys106Thr)

Gene: TSC2 (TSC complex subunit 2; plus strand). Cytogenetic location: 16p13.3.
Variant type: single nucleotide variant.
Coding change: c.317A>C on transcript NM_000548.5 (MANE Select); coding-DNA position 317, A replaced by C.
Protein change: p.Lys106Thr; replaces lysine 106 with threonine.
Molecular consequence: missense variant. On other transcripts: intron variant (2).
Genome position (GRCh38, 1-based): chr16:2,053,433, A>C. VCF-style: chr16-2053433-A-C. GRCh37 (hg19) VCF-style: chr16-2103434-A-C.
Other names: c.317A>C, p.Lys106Thr (NM_001077183.3, NM_001114382.3, NM_001363528.2 and 3 more transcripts); c.170A>C, p.Lys57Thr (NM_001318829.2); c.350A>C, p.Lys117Thr (NM_001318832.2); c.226-863A>C (NM_001318827.2); c.-1-2763A>C (NM_001318831.2); short protein forms K106T, K57T, K117T.
Identifiers: ClinVar variation 576517 (VCV000576517.8), dbSNP rs1567395686, ClinGen allele CA394305950.